The following is an entry in ClinVar:

NM_007294.4(BRCA1):c.769C>T (p.His257Tyr)

Gene: BRCA1 (BRCA1 DNA repair associated; minus strand). Cytogenetic location: 17q21.31.
Variant type: single nucleotide variant.
Coding change: c.769C>T on transcript NM_007294.4 (MANE Select); coding-DNA position 769, C replaced by T.
Protein change: p.His257Tyr; replaces histidine 257 with tyrosine.
Molecular consequence: missense variant. On other transcripts: non-coding transcript variant (1).
Genome position (GRCh38, 1-based): chr17:43,094,762, G>A on the plus strand (C>T on the coding strand, the complement: BRCA1 is on the minus strand). VCF-style: chr17-43094762-G-A. GRCh37 (hg19) VCF-style: chr17-41246779-G-A.
Other names: c.769C>T, p.His257Tyr (NM_001407626.1, NM_001407639.1, NM_001407640.1 and 54 more transcripts); c.766C>T, p.His256Tyr (NM_001407627.1, NM_001407628.1, NM_001407629.1 and 38 more transcripts); c.760C>T, p.His254Tyr (NM_001407646.1, NM_001407647.1, NM_001408408.1); c.646C>T, p.His216Tyr (NM_001407648.1, NM_001407664.1, NM_001407665.1 and 34 more transcripts); c.643C>T, p.His215Tyr (NM_001407649.1, NM_001407670.1, NM_001407671.1 and 20 more transcripts); c.691C>T, p.His231Tyr (NM_001407653.1, NM_001407654.1, NM_001407655.1 and 9 more transcripts); c.688C>T, p.His230Tyr (NM_001407659.1, NM_001407660.1, NM_001407661.1 and 3 more transcripts); c.628C>T, p.His210Tyr (NM_001407692.1, NM_001407694.1, NM_001407695.1 and 43 more transcripts); and 14 more; short protein forms H210Y, H257Y, H129Y, H169Y, H187Y, H209Y, H215Y, H230Y.
Identifiers: ClinVar variation 827202 (VCV000827202.17), dbSNP rs1597880077, ClinGen allele CA10600544.
Genomic context (GRCh38, chr17:43,094,762, plus strand): 5'-TTGTGCCACATGGCTCCACATGCAAGTTTGAAACAGAACTACCCTGATACTTTTCTGGAT[G>A]CCTCTCAGCTGCACGCTTCTCAGTGGTGTTCAAATCATTATTACTGGGTTGATGATGTTC-3'
Protein context (NP_009225.1, residues 247-267): NTTEKRAAER[His257Tyr]PEKYQGSSVS

ClinVar aggregate classification (germline): Conflicting classifications of pathogenicity. Review status: criteria provided, conflicting classifications (1 of 4 stars). 3 submissions from 3 submitters: Uncertain significance (2); Likely benign (1). Last evaluated 2023-03-23.

Conditions:
Hereditary cancer-predisposing syndrome. Also called: Neoplastic Syndromes, Hereditary; Tumor predisposition; Hereditary neoplastic syndrome; Hereditary Cancer Syndrome. Identifiers: Orphanet 140162, MedGen C0027672, MeSH D009386, MONDO:0015356.
Hereditary breast ovarian cancer syndrome. Also called: Hereditary breast and ovarian cancer syndrome; Hereditary breast and ovarian cancer; Hereditary breast and ovarian cancer syndrome (HBOC); Breast and ovarian cancer; Hereditary breast and/or ovarian cancer syndrome; BRCA1- and BRCA2-Associated Hereditary Breast and Ovarian Cancer. Identifiers: Orphanet 145, MedGen C0677776, MeSH D061325, MONDO:0003582. Disease mechanism: loss of function.

Submissions (3):

University of Washington Department of Laboratory Medicine, University of Washington
Classification: Likely benign for Hereditary cancer-predisposing syndrome. Last evaluated: 2023-03-23. Review status: criteria provided, single submitter. Criteria: Dines et al. (Genet Med. 2020). Collection method: curation. Allele origin: germline.
Comment: Missense variant in a coldspot region where missense variants are very unlikely to be pathogenic (PMID:31911673).

BRCA1 coldspot (exon 11 using historical exon numbering). Reclassification based on statistical prior probability

Labcorp Genetics (formerly Invitae), Labcorp
Classification: Uncertain significance for Hereditary breast ovarian cancer syndrome. Last evaluated: 2019-08-29. Review status: criteria provided, single submitter. Criteria: Invitae Variant Classification Sherloc (09022015). Collection method: clinical testing. Allele origin: germline.
Comment: In summary, the available evidence is currently insufficient to determine the role of this variant in disease. Therefore, it has been classified as a Variant of Uncertain Significance. Algorithms developed to predict the effect of sequence changes on RNA splicing suggest that this variant may create or strengthen a splice site, but this prediction has not been confirmed by published transcriptional studies. Algorithms developed to predict the effect of missense changes on protein structure and function are either unavailable or do not agree on the potential impact of this missense change (SIFT: "Tolerated"; PolyPhen-2: "Possibly Damaging"; Align-GVGD: "Class C0"). This variant has not been reported in the literature in individuals with BRCA1-related conditions. This variant is not present in population databases (ExAC no frequency). This sequence change replaces histidine with tyrosine at codon 257 of the BRCA1 protein (p.His257Tyr). The histidine residue is moderately conserved and there is a moderate physicochemical difference between histidine and tyrosine.

Ambry Genetics
Classification: Uncertain significance for Hereditary cancer-predisposing syndrome. Last evaluated: 2018-06-26. Review status: criteria provided, single submitter. Criteria: Ambry Variant Classification Scheme 2023. Collection method: clinical testing. Allele origin: germline.
Comment: The p.H257Y variant (also known as c.769C>T), located in coding exon 9 of the BRCA1 gene, results from a C to T substitution at nucleotide position 769. The histidine at codon 257 is replaced by tyrosine, an amino acid with similar properties. This amino acid position is highly conserved in available vertebrate species. In addition, this alteration is predicted to be deleterious by in silico analysis. Since supporting evidence is limited at this time, the clinical significance of this alteration remains unclear.